The following is an entry in ClinVar:

ClinVar aggregate classification (germline): Benign (0 of 4 stars; one submission).

Conditions:
MYO7B-related disorder. Also called: MYO7B-related condition.

Allele frequency attached by ClinVar (database versions not stated): gnomAD exomes 0.00031; ExAC 0.00105; ESP Exome Variant Server 0.00249; 1000 Genomes Project 0.00260; gnomAD 0.00320; 1000 Genomes Project 30x 0.00328; TOPMed 0.00348.
gnomAD v4.1: 967 of 1,608,382 alleles (0.06%); highest among the groups gnomAD compares: African/African-American, 1.1%; 7 homozygotes.

Submission:

PreventionGenetics, part of Exact Sciences
Classification: Benign for MYO7B-related condition. Last evaluated: 2019-05-01. Review status: no assertion criteria provided. Collection method: clinical testing. Allele origin: germline.
Comment: This variant is classified as benign based on ACMG/AMP sequence variant interpretation guidelines (Richards et al. 2015 PMID: 25741868, with internal and published modifications).

NM_001393586.1(MYO7B):c.3157G>A (p.Gly1053Ser)

Gene: MYO7B (myosin VIIB; plus strand). Cytogenetic location: 2q14.3.
Variant type: single nucleotide variant.
Coding change: c.3157G>A on transcript NM_001393586.1 (MANE Select); coding-DNA position 3157, G replaced by A.
Protein change: p.Gly1053Ser; replaces glycine 1053 with serine.
Molecular consequence: missense variant.
Genome position (GRCh38, 1-based): chr2:127,609,981, G>A. VCF-style: chr2-127609981-G-A. GRCh37 (hg19) VCF-style: chr2-128367556-G-A.
Other names: c.3157G>A, p.Gly1053Ser (NM_001080527.2); short protein forms G1053S.
Identifiers: ClinVar variation 3038043 (VCV003038043.2), dbSNP rs199654311, ClinGen allele CA1861342.
Genomic context (GRCh38, chr2:127,609,981, plus strand): 5'-AGCAGCCAGCAGGGCAGCTCAGTGATGCGGCAGATCCATGACACGCTGGGCAGGGAGCAC[G>A]GTGCCCAGGTTCCACAGCACAGTAGATCTGCACAGGCAAGTGGGGGGCAGCAGCGGGCAG-3'
Protein context (NP_001380515.1, residues 1043-1063): QIHDTLGREH[Gly1053Ser]AQVPQHSRSA